The following is an entry in ClinVar:

ClinVar aggregate classification (germline): Pathogenic (3 of 4 stars; one submission).

Conditions:
Breast-ovarian cancer, familial, susceptibility to, 2 (BROVCA2). Also called: BRCA2 Hereditary Breast and Ovarian Cancer. Identifiers: Orphanet 145, MedGen C2675520, MONDO:0012933, OMIM 612555. Disease mechanism: loss of function.

Submission:

Evidence-based Network for the Interpretation of Germline Mutant Alleles (ENIGMA)
Classification: Pathogenic for Breast-ovarian cancer, familial, susceptibility to, 2. Last evaluated: 2016-09-08. Review status: reviewed by expert panel. Criteria: ENIGMA BRCA1/2 Classification Criteria (2015). Collection method: curation. Allele origin: germline.
Comment: Variant allele predicted to encode a truncated non-functional protein.

NM_000059.4(BRCA2):c.419del (p.Ser140fs)

Gene: BRCA2 (BRCA2 DNA repair associated; plus strand). Cytogenetic location: 13q13.1.
Variant type: Deletion.
Coding change: c.419del on transcript NM_000059.4 (MANE Select); coding-DNA position 419, one base deleted (G; older notation c.419delG).
Protein change: p.Ser140fs; shifts the reading frame from serine 140.
Molecular consequence: frameshift variant.
Genome position (GRCh38, 1-based): chr13:32,325,178, G deleted. VCF-style (leftmost placement, unchanged base first): chr13-32325177-AG-A. GRCh37 (hg19) VCF-style: chr13-32899314-AG-A.
Other names: c.419delG (NM_000059.3); short protein forms S140fs.
Identifiers: ClinVar variation 254475 (VCV000254475.2), dbSNP rs886038050, ClinGen allele CA10586481.